The following is an entry in ClinVar:

ClinVar aggregate classification (germline): Pathogenic (1 of 4 stars; one submission).

Conditions:
Deficiency of alpha-mannosidase (MANSA). Also called: LYSOSOMAL ALPHA-D-MANNOSIDASE DEFICIENCY; Alpha-Mannosidosis; Mannosidosis, alpha-, types I and II. Identifiers: Orphanet 61, MedGen C0024748, MONDO:0009561, OMIM 248500.

Submission:

Labcorp Genetics (formerly Invitae), Labcorp
Classification: Pathogenic for Deficiency of alpha-mannosidase. Last evaluated: 2022-06-22. Review status: criteria provided, single submitter. Criteria: Invitae Variant Classification Sherloc (09022015). Collection method: clinical testing. Allele origin: germline.
Comment: For these reasons, this variant has been classified as Pathogenic. This variant disrupts a region of the MAN2B1 protein in which other variant(s) (p.Arg229Trp) have been determined to be pathogenic (PMID: 22161967, 26048034). This suggests that this is a clinically significant region of the protein, and that variants that disrupt it are likely to be disease-causing. This variant has not been reported in the literature in individuals affected with MAN2B1-related conditions. This variant is a gross deletion of the genomic region encompassing exon(s) 5-6 of the MAN2B1 gene. This variant would be expected to be in-frame, preserving the integrity of the reading frame.

Literature cited by the submitters: PubMed 22161967; PubMed 26048034.

NC_000019.9:g.(?_12774121)_(12774659_?)del

Gene: MAN2B1 (mannosidase alpha class 2B member 1; minus strand). Cytogenetic location: 19p13.2.
Variant type: Deletion.
Identifiers: ClinVar variation 2423228 (VCV002423228.3).